The following is an entry in ClinVar:

ClinVar aggregate classification (germline): Pathogenic. Review status: criteria provided, multiple submitters, no conflicts (2 of 4 stars). 3 submissions from 3 submitters: Pathogenic (3). Last evaluated 2023-04-25.

Conditions:
Familial adenomatous polyposis 1 (FAP1). Also called: FAMILIAL ADENOMATOUS POLYPOSIS 1, ATTENUATED; POLYPOSIS, ADENOMATOUS INTESTINAL. Identifiers: MedGen C2713442, MONDO:0021056, OMIM 175100. Disease mechanism: loss of function.

Submissions (3):

Myriad Genetics, Inc.
Classification: Pathogenic for Familial adenomatous polyposis 1. Last evaluated: 2023-04-25. Review status: criteria provided, single submitter. Criteria: Myriad Autosomal Dominant, Autosomal Recessive and X-Linked Classification Criteria (2023). Collection method: clinical testing. Allele origin: unknown.
Comment: This variant is considered pathogenic. This variant creates a frameshift predicted to result in premature protein truncation.

Labcorp Genetics (formerly Invitae), Labcorp
Classification: Pathogenic for Familial adenomatous polyposis 1. Last evaluated: 2022-09-07. Review status: criteria provided, single submitter. Criteria: Invitae Variant Classification Sherloc (09022015). Collection method: clinical testing. Allele origin: germline.
Comment: This sequence change creates a premature translational stop signal (p.Gly84Glufs*2) in the APC gene. It is expected to result in an absent or disrupted protein product. Loss-of-function variants in APC are known to be pathogenic (PMID: 17963004, 20685668). This variant is not present in population databases (gnomAD no frequency). This variant has not been reported in the literature in individuals affected with APC-related conditions. ClinVar contains an entry for this variant (Variation ID: 236575). For these reasons, this variant has been classified as Pathogenic.

GeneDx
Classification: Pathogenic. Last evaluated: 2018-03-21. Review status: criteria provided, single submitter. Criteria: GeneDx Variant Classification (06012015). Collection method: clinical testing. Allele origin: germline. Affected: yes.
Comment: This deletion of one nucleotide in APC is denoted c.249delT at the cDNA level and p.Gly84GlufsX2 (G84EfsX2) at the protein level. The normal sequence, with the base that is deleted in brackets, is TCCC[delT]GGAG. The deletion causes a frameshift which changes a Glycine to a Glutamic Acid at codon 84, and creates a premature stop codon at position 2 of the new reading frame. Although this variant has not, to our knowledge, been reported in the literature, it is predicted to cause loss of normal protein function through either protein truncation or nonsense-mediated mRNA decay. We consider this variant to be pathogenic.

Literature cited by the submitters: PubMed 17963004 (cited by Labcorp Genetics (formerly Invitae), Labcorp); PubMed 20685668 (cited by Labcorp Genetics (formerly Invitae), Labcorp).

NM_000038.6(APC):c.249del (p.Gly84fs)

Gene: APC (APC regulator of Wnt signaling pathway; plus strand). Cytogenetic location: 5q22.2.
Variant type: Deletion.
Coding change: c.249del on transcript NM_000038.6 (MANE Select); coding-DNA position 249, one base deleted (T; older notation c.249delT).
Protein change: p.Gly84fs; shifts the reading frame from glycine 84.
Molecular consequence: frameshift variant. On other transcripts: 5 prime UTR variant (1).
Genome position (GRCh38, 1-based): chr5:112,767,217, T deleted. VCF-style (leftmost placement, unchanged base first): chr5-112767216-CT-C. GRCh37 (hg19) VCF-style: chr5-112102913-CT-C.
Other names: c.249del, p.Gly84fs (NM_001127510.3, NM_001354895.2, NM_001354896.2 and 2 more transcripts); c.279del, p.Gly94fs (NM_001127511.3, NM_001354897.2, NM_001354902.2); c.174del, p.Gly59fs (NM_001354898.2, NM_001354904.2); c.72del, p.Gly25fs (NM_001354900.2, NM_001354901.2, NM_001354905.2); c.-787del (NM_001354906.2); short protein forms G94fs, G25fs, G59fs, G84fs.
Identifiers: ClinVar variation 236575 (VCV000236575.12), dbSNP rs878853428, ClinGen allele CA10582274.